The following is an entry in ClinVar:

ClinVar aggregate classification (germline): Uncertain significance (0 of 4 stars; one submission).

Conditions:
TET3-related disorder. Also called: TET3-Related Disease; TET3-related condition.

Submission:

PreventionGenetics, part of Exact Sciences
Classification: Uncertain significance for TET3-related condition. Last evaluated: 2024-08-09. Review status: no assertion criteria provided. Collection method: clinical testing. Allele origin: germline.
Comment: The TET3 c.5085G>C variant is predicted to result in the amino acid substitution p.Gln1695His. To our knowledge, this variant has not been reported in the literature or in a large population database, indicating this variant is rare. At this time, the clinical significance of this variant is uncertain due to the absence of conclusive functional and genetic evidence.

NM_001287491.2(TET3):c.5085G>C (p.Gln1695His)

Gene: TET3 (tet methylcytosine dioxygenase 3; plus strand). Cytogenetic location: 2p13.1.
Variant type: single nucleotide variant.
Coding change: c.5085G>C on transcript NM_001287491.2 (MANE Select); coding-DNA position 5085, G replaced by C.
Protein change: p.Gln1695His; replaces glutamine 1695 with histidine.
Molecular consequence: missense variant.
Genome position (GRCh38, 1-based): chr2:74,101,873, G>C. VCF-style: chr2-74101873-G-C. GRCh37 (hg19) VCF-style: chr2-74329000-G-C.
Other names: c.4806G>C, p.Gln1602His (NM_001366022.1); short protein forms Q1602H, Q1695H.
Identifiers: ClinVar variation 3345079 (VCV003345079.1).
Genomic context (GRCh38, chr2:74,101,873, plus strand): 5'-CACGCCGCTTAAGAAGCCCAACCGCTGCCACCCCACCCGCATCTCGCTGGTCTTCTACCA[G>C]CACAAGAACCTCAACCAGCCCAACCACGGGCTGGCCCTCTGGGAAGCCAAGATGAAGCAG-3'
Protein context (NP_001274420.1, residues 1685-1705): HPTRISLVFY[Gln1695His]HKNLNQPNHG